The following is an entry in ClinVar:

NM_006231.4(POLE):c.1795G>T (p.Val599Leu)

Gene: POLE (DNA polymerase epsilon, catalytic subunit; minus strand). Cytogenetic location: 12q24.33.
Variant type: single nucleotide variant.
Coding change: c.1795G>T on transcript NM_006231.4 (MANE Select); coding-DNA position 1795, G replaced by T.
Protein change: p.Val599Leu; replaces valine 599 with leucine.
Molecular consequence: missense variant.
Genome position (GRCh38, 1-based): chr12:132,668,939, C>A on the plus strand (G>T on the coding strand, the complement: POLE is on the minus strand). VCF-style: chr12-132668939-C-A. GRCh37 (hg19) VCF-style: chr12-133245525-C-A.
Other names: short protein forms V599L.
Identifiers: ClinVar variation 3225401 (VCV003225401.1), dbSNP rs1555227427, ClinGen allele CA387355651.

ClinVar aggregate classification (germline): Uncertain significance (1 of 4 stars; one submission).

Conditions:
Hereditary cancer-predisposing syndrome. Also called: Neoplastic Syndromes, Hereditary; Tumor predisposition; Hereditary neoplastic syndrome; Hereditary Cancer Syndrome. Identifiers: Orphanet 140162, MedGen C0027672, MeSH D009386, MONDO:0015356.

Submission:

Ambry Genetics
Classification: Uncertain significance for Hereditary cancer-predisposing syndrome. Last evaluated: 2023-02-18. Review status: criteria provided, single submitter. Criteria: Ambry Variant Classification Scheme 2023. Collection method: clinical testing. Allele origin: germline.
Comment: The p.V599L variant (also known as c.1795G>T) is located in coding exon 17 of the POLE gene. The valine at codon 599 is replaced by leucine, an amino acid with highly similar properties. This change occurs in the first base pair of coding exon 17. This amino acid position is conserved. In addition, this alteration is predicted to be tolerated by in silico analysis. Since supporting evidence is limited at this time, the clinical significance of this alteration remains unclear.